The following is an entry in ClinVar:

NM_004104.5(FASN):c.7147-3C>T

Gene: FASN (fatty acid synthase; minus strand). Cytogenetic location: 17q25.3.
Variant type: single nucleotide variant.
Coding change: c.7147-3C>T on transcript NM_004104.5 (MANE Select); 3 bases into the intron before coding-DNA position 7147, C replaced by T.
Molecular consequence: intron variant.
Genome position (GRCh38, 1-based): chr17:82,079,611, G>A on the plus strand (C>T on the coding strand, the complement: FASN is on the minus strand). VCF-style: chr17-82079611-G-A. GRCh37 (hg19) VCF-style: chr17-80037487-G-A.
Identifiers: ClinVar variation 1018862 (VCV001018862.6), dbSNP rs2033952357, ClinGen allele CA2278831656.

ClinVar aggregate classification (germline): Uncertain significance (1 of 4 stars; one submission).

Conditions:
Epileptic encephalopathy. Identifiers: MedGen C0543888, HP:0200134.

Allele frequency attached by ClinVar (database versions not stated): gnomAD exomes below 0.00001.
gnomAD v4.1: 1 of 1,599,044 alleles (0.000063%); highest among the groups gnomAD compares: Non-Finnish European, 0.000085%; no homozygotes.

Submission:

Labcorp Genetics (formerly Invitae), Labcorp
Classification: Uncertain significance for Epileptic encephalopathy. Last evaluated: 2023-11-13. Review status: criteria provided, single submitter. Criteria: Invitae Variant Classification Sherloc (09022015). Collection method: clinical testing. Allele origin: germline.
Comment: This sequence change falls in intron 41 of the FASN gene. It does not directly change the encoded amino acid sequence of the FASN protein. It affects a nucleotide within the consensus splice site. This variant is not present in population databases (gnomAD no frequency). This variant has not been reported in the literature in individuals affected with FASN-related conditions. ClinVar contains an entry for this variant (Variation ID: 1018862). Variants that disrupt the consensus splice site are a relatively common cause of aberrant splicing (PMID: 17576681, 9536098). Algorithms developed to predict the effect of sequence changes on RNA splicing suggest that this variant is not likely to affect RNA splicing. In summary, the available evidence is currently insufficient to determine the role of this variant in disease. Therefore, it has been classified as a Variant of Uncertain Significance.

Literature cited by the submitters: PubMed 17576681; PubMed 9536098.